The following is an entry in ClinVar:

ClinVar aggregate classification (germline): Uncertain significance. Review status: criteria provided, multiple submitters, no conflicts (2 of 4 stars). 2 submissions from 2 submitters: Uncertain significance (2). Last evaluated 2025-06-26.

Conditions:
Inborn genetic diseases. Identifiers: MedGen C0950123, MeSH D030342.
Fanconi anemia (FA). Also called: Fanconi's anemia. Identifiers: Orphanet 84, MedGen C0015625, MeSH D005199, MONDO:0019391.

Submissions (2):

Ambry Genetics
Classification: Uncertain significance for Inborn genetic diseases. Last evaluated: 2025-06-26. Review status: criteria provided, single submitter. Criteria: Ambry Variant Classification Scheme 2023. Collection method: clinical testing. Allele origin: germline.
Comment: The p.Y445C variant (also known as c.1334A>G), located in coding exon 8 of the FANCM gene, results from an A to G substitution at nucleotide position 1334. The tyrosine at codon 445 is replaced by cysteine, an amino acid with highly dissimilar properties. This amino acid position is conserved. In addition, the in silico prediction for this alteration is inconclusive. Based on the available evidence, the clinical significance of this variant remains unclear.

Labcorp Genetics (formerly Invitae), Labcorp
Classification: Uncertain significance for Fanconi anemia. Last evaluated: 2024-08-07. Review status: criteria provided, single submitter. Criteria: Invitae Variant Classification Sherloc (09022015). Collection method: clinical testing. Allele origin: germline.
Comment: This sequence change replaces tyrosine, which is neutral and polar, with cysteine, which is neutral and slightly polar, at codon 445 of the FANCM protein (p.Tyr445Cys). This variant is not present in population databases (gnomAD no frequency). This variant has not been reported in the literature in individuals affected with FANCM-related conditions. An algorithm developed to predict the effect of missense changes on protein structure and function (PolyPhen-2) suggests that this variant is likely to be disruptive. In summary, the available evidence is currently insufficient to determine the role of this variant in disease. Therefore, it has been classified as a Variant of Uncertain Significance.

NM_020937.4(FANCM):c.1334A>G (p.Tyr445Cys)

Gene: FANCM (FA complementation group M; plus strand). Cytogenetic location: 14q21.2.
Variant type: single nucleotide variant.
Coding change: c.1334A>G on transcript NM_020937.4 (MANE Select); coding-DNA position 1334, A replaced by G.
Protein change: p.Tyr445Cys; replaces tyrosine 445 with cysteine.
Molecular consequence: missense variant.
Genome position (GRCh38, 1-based): chr14:45,155,397, A>G. VCF-style: chr14-45155397-A-G. GRCh37 (hg19) VCF-style: chr14-45624600-A-G.
Other names: c.1256A>G, p.Tyr419Cys (NM_001308133.2); c.1334A>G, p.Tyr445Cys (NM_001308134.2); short protein forms Y419C, Y445C.
Identifiers: ClinVar variation 3614609 (VCV003614609.3).